The following is an entry in ClinVar:

NM_001112741.2(KCNC1):c.1280C>T (p.Thr427Ile)

Gene: KCNC1 (potassium voltage-gated channel subfamily C member 1; plus strand). Cytogenetic location: 11p15.1.
Variant type: single nucleotide variant.
Coding change: c.1280C>T on transcript NM_001112741.2 (MANE Select); coding-DNA position 1280, C replaced by T.
Protein change: p.Thr427Ile; replaces threonine 427 with isoleucine.
Molecular consequence: missense variant.
Genome position (GRCh38, 1-based): chr11:17,772,374, C>T. VCF-style: chr11-17772374-C-T. GRCh37 (hg19) VCF-style: chr11-17793921-C-T.
Other names: c.1280C>T, p.Thr427Ile (NM_004976.4); short protein forms T427I.
Identifiers: ClinVar variation 2499412 (VCV002499412.1), dbSNP rs2497801146, ClinGen allele CA379808968.

ClinVar aggregate classification (germline): Uncertain significance (1 of 4 stars; one submission).

Submission:

GeneDx
Classification: Uncertain significance. Last evaluated: 2022-10-14. Review status: criteria provided, single submitter. Criteria: GeneDx Variant Classification Process June 2021. Collection method: clinical testing. Allele origin: germline. Affected: yes.
Comment: Not observed at significant frequency in large population cohorts (gnomAD); In silico analysis supports that this missense variant has a deleterious effect on protein structure/function; Has not been previously published as pathogenic or benign to our knowledge